The following is an entry in ClinVar:

ClinVar aggregate classification (germline): Uncertain significance (1 of 4 stars; one submission).

Submission:

Labcorp Genetics (formerly Invitae), Labcorp
Classification: Uncertain significance. Last evaluated: 2022-09-06. Review status: criteria provided, single submitter. Criteria: Invitae Variant Classification Sherloc (09022015). Collection method: clinical testing. Allele origin: germline.
Comment: In summary, the available evidence is currently insufficient to determine the role of this variant in disease. Therefore, it has been classified as a Variant of Uncertain Significance. Algorithms developed to predict the effect of missense changes on protein structure and function are either unavailable or do not agree on the potential impact of this missense change (SIFT: "Tolerated"; PolyPhen-2: "Possibly Damaging"; Align-GVGD: "Class C0"). This variant has not been reported in the literature in individuals affected with IMPG2-related conditions. This variant is not present in population databases (gnomAD no frequency). This sequence change replaces proline, which is neutral and non-polar, with threonine, which is neutral and polar, at codon 1058 of the IMPG2 protein (p.Pro1058Thr).

NM_016247.4(IMPG2):c.3172C>A (p.Pro1058Thr)

Gene: IMPG2 (interphotoreceptor matrix proteoglycan 2; minus strand). Cytogenetic location: 3q12.3.
Variant type: single nucleotide variant.
Coding change: c.3172C>A on transcript NM_016247.4 (MANE Select); coding-DNA position 3172, C replaced by A.
Protein change: p.Pro1058Thr; replaces proline 1058 with threonine.
Molecular consequence: missense variant.
Genome position (GRCh38, 1-based): chr3:101,232,842, G>T on the plus strand (C>A on the coding strand, the complement: IMPG2 is on the minus strand). VCF-style: chr3-101232842-G-T. GRCh37 (hg19) VCF-style: chr3-100951686-G-T.
Other names: short protein forms P1058T.
Identifiers: ClinVar variation 1461894 (VCV001461894.8), dbSNP rs1176943043, ClinGen allele CA353849862.